The following is an entry in ClinVar:

ClinVar aggregate classification (germline): Uncertain significance. Review status: criteria provided, multiple submitters, no conflicts (2 of 4 stars). 2 submissions from 2 submitters: Uncertain significance (2). Last evaluated 2026-03-02.

Conditions:
SEMA3G-related disorder. Also called: SEMA3G-related condition.

Allele frequency attached by ClinVar (database versions not stated): ExAC 0.00001; TOPMed 0.00004; gnomAD 0.00007.
gnomAD v4.1: 36 of 1,614,008 alleles (0.0022%); highest among the groups gnomAD compares: Middle Eastern, 0.017%; no homozygotes.

Submissions (2):

PreventionGenetics, part of Exact Sciences
Classification: Uncertain significance for SEMA3G-related condition. Last evaluated: 2026-03-02. Review status: criteria provided, single submitter. Criteria: ACMG Guidelines, 2015. Collection method: clinical testing. Allele origin: germline.
Comment: The SEMA3G c.2300G>A variant is predicted to result in the amino acid substitution p.Arg767Gln. To our knowledge, this variant has not been reported in the literature. This variant is reported in 0.024% of alleles in individuals of African descent in gnomAD. At this time, the clinical significance of this variant is uncertain due to the absence of conclusive functional and genetic evidence.

Ambry Genetics
Classification: Uncertain significance. Last evaluated: 2025-06-16. Review status: criteria provided, single submitter. Criteria: Ambry Variant Classification Scheme 2023. Collection method: clinical testing. Allele origin: germline.

NM_020163.3(SEMA3G):c.2300G>A (p.Arg767Gln)

Gene: SEMA3G (semaphorin 3G; minus strand). Cytogenetic location: 3p21.1.
Variant type: single nucleotide variant.
Coding change: c.2300G>A on transcript NM_020163.3 (MANE Select); coding-DNA position 2300, G replaced by A.
Protein change: p.Arg767Gln; replaces arginine 767 with glutamine.
Molecular consequence: missense variant.
Genome position (GRCh38, 1-based): chr3:52,435,652, C>T on the plus strand (G>A on the coding strand, the complement: SEMA3G is on the minus strand). VCF-style: chr3-52435652-C-T. GRCh37 (hg19) VCF-style: chr3-52469668-C-T.
Other names: c.2300G>A (NM_020163.1); short protein forms R767Q.
Identifiers: ClinVar variation 2629456 (VCV002629456.4), dbSNP rs527315545, ClinGen allele CA2437670.
Genomic context (GRCh38, chr3:52,435,652, plus strand): 5'-TCTGCCCCCTTCTACGTGGCCTCCACCTCCCGGGGCGTCCGATTGTGCTCGGCATGCACC[C>T]GGCTCTTCATCTTCTTGCCTAGCTCCAGCCCTGCCCAGCTCTTGCCCCTGGCCTGCTTGC-3'
Protein context (NP_064548.1, residues 757-777): GLELGKKMKS[Arg767Gln]VHAEHNRTPR